The following is an entry in ClinVar:

NM_005245.4(FAT1):c.2162C>T (p.Pro721Leu)

Gene: FAT1 (FAT atypical cadherin 1; minus strand). Cytogenetic location: 4q35.2.
Variant type: single nucleotide variant.
Coding change: c.2162C>T on transcript NM_005245.4 (MANE Select); coding-DNA position 2162, C replaced by T.
Protein change: p.Pro721Leu; replaces proline 721 with leucine.
Molecular consequence: missense variant.
Genome position (GRCh38, 1-based): chr4:186,707,666, G>A on the plus strand (C>T on the coding strand, the complement: FAT1 is on the minus strand). VCF-style: chr4-186707666-G-A. GRCh37 (hg19) VCF-style: chr4-187628820-G-A.
Other names: c.2162C>T (NM_005245.3); short protein forms P721L.
Identifiers: ClinVar variation 2192854 (VCV002192854.5), dbSNP rs765011562, ClinGen allele CA112181531.

ClinVar aggregate classification (germline): Uncertain significance. Review status: criteria provided, multiple submitters, no conflicts (2 of 4 stars). 2 submissions from 2 submitters: Uncertain significance (2). Last evaluated 2025-08-12.

Conditions:
Inborn genetic diseases. Identifiers: MedGen C0950123, MeSH D030342.

Allele frequency attached by ClinVar (database versions not stated): gnomAD 0.00001; gnomAD exomes 0.00001; TOPMed 0.00002.

Submissions (2):

Ambry Genetics
Classification: Uncertain significance for Inborn genetic diseases. Last evaluated: 2025-08-12. Review status: criteria provided, single submitter. Criteria: Ambry Variant Classification Scheme 2023. Collection method: clinical testing. Allele origin: germline.

Labcorp Genetics (formerly Invitae), Labcorp
Classification: Uncertain significance. Last evaluated: 2022-03-12. Review status: criteria provided, single submitter. Criteria: Invitae Variant Classification Sherloc (09022015). Collection method: clinical testing. Allele origin: germline.
Comment: In summary, the available evidence is currently insufficient to determine the role of this variant in disease. Therefore, it has been classified as a Variant of Uncertain Significance. Algorithms developed to predict the effect of missense changes on protein structure and function are either unavailable or do not agree on the potential impact of this missense change (SIFT: "Deleterious"; PolyPhen-2: "Benign"; Align-GVGD: "Class C65"). This variant has not been reported in the literature in individuals affected with FAT1-related conditions. This variant is present in population databases (rs765011562, gnomAD 0.007%). This sequence change replaces proline, which is neutral and non-polar, with leucine, which is neutral and non-polar, at codon 721 of the FAT1 protein (p.Pro721Leu).